The following is an entry in ClinVar:

NM_014874.4(MFN2):c.1818C>T (p.Gly606=)

Gene: MFN2 (mitofusin 2; plus strand). Cytogenetic location: 1p36.22.
Variant type: single nucleotide variant.
Coding change: c.1818C>T on transcript NM_014874.4 (MANE Select); coding-DNA position 1818, C replaced by T.
Protein change: p.Gly606=; no amino-acid change (glycine 606 retained).
Molecular consequence: synonymous variant.
Genome position (GRCh38, 1-based): chr1:12,006,639, C>T. VCF-style: chr1-12006639-C-T. GRCh37 (hg19) VCF-style: chr1-12066696-C-T.
Other names: c.1818C>T, p.Gly606= (NM_001127660.2).
Identifiers: ClinVar variation 292376 (VCV000292376.19), dbSNP rs373843969, ClinGen allele CA599230.
Genomic context (GRCh38, chr1:12,006,639, plus strand): 5'-GCCCCCACTGCCACAGGGCTCGCTCACCCAGGAGGAGTTCATGGTTTCCATGGTTACCGG[C>T]CTGGCCTCCTTGACATCCAGGACCTCCATGGGCATTCTTGTTGTTGGAGGAGTGGTCAGT-3'
Protein context (NP_055689.1, residues 596-616): QEEFMVSMVT[Gly606=]LASLTSRTSM

ClinVar aggregate classification (germline): Likely benign. Review status: criteria provided, multiple submitters, no conflicts (2 of 4 stars). 7 submissions from 6 submitters: Likely benign (7). Last evaluated 2026-09-01.

Conditions:
Inborn genetic diseases. Identifiers: MedGen C0950123, MeSH D030342.
MFN2-related disorder. Also called: MFN2-related condition; MFN2-related disorders.
Charcot-Marie-Tooth disease type 2. Also called: Charcot-Marie-Tooth type 2. Identifiers: Orphanet 64746, MedGen C0270914, MONDO:0018993.
Hereditary motor and sensory neuropathy with optic atrophy. Also called: CHARCOT-MARIE-TOOTH DISEASE, TYPE 6; PERIPHERAL NEUROPATHY AND OPTIC ATROPHY. Identifiers: Orphanet 90120, MedGen C0393807, MONDO:0019551.

Allele frequency attached by ClinVar (database versions not stated): gnomAD 0.00002 and 0.00003; TOPMed 0.00003; gnomAD exomes 0.00004 and 0.00006; ExAC 0.00007; ESP Exome Variant Server 0.00015.
gnomAD v4.1: 64 of 1,614,084 alleles (0.004%); highest among the groups gnomAD compares: Admixed American, 0.023%; no homozygotes.

Submissions (7):

CeGaT Center for Human Genetics Tuebingen
Classification: Likely benign. Last evaluated: 2026-09-01. Review status: criteria provided, single submitter. Criteria: CeGaT Center For Human Genetics Tuebingen Variant Classification Criteria Version 2. Collection method: clinical testing. Allele origin: germline. Affected: yes. Observed: 1 variant allele.
Comment: MFN2: BP4, BP7

PreventionGenetics, part of Exact Sciences
Classification: Likely benign for MFN2-related condition. Last evaluated: 2026-03-11. Review status: criteria provided, single submitter. Criteria: ACMG Guidelines, 2015. Collection method: clinical testing. Allele origin: germline.
Comment: This variant is classified as likely benign based on ACMG/AMP sequence variant interpretation guidelines (Richards et al. 2015 PMID: 25741868, with internal and published modifications).

Labcorp Genetics (formerly Invitae), Labcorp
Classification: Likely benign for Charcot-Marie-Tooth disease type 2. Last evaluated: 2025-10-28. Review status: criteria provided, single submitter. Criteria: Invitae Variant Classification Sherloc (09022015). Collection method: clinical testing. Allele origin: germline.

Blueprint Genetics
Classification: Likely benign. Last evaluated: 2022-11-17. Review status: criteria provided, single submitter. Criteria: ACMG Guidelines, 2015. Collection method: clinical testing. Allele origin: germline.

Ambry Genetics
Classification: Likely benign for Inborn genetic diseases. Last evaluated: 2019-07-11. Review status: criteria provided, single submitter. Criteria: Ambry Variant Classification Scheme 2023. Collection method: clinical testing. Allele origin: germline.

Illumina Laboratory Services, Illumina
Classification: Likely benign for Charcot-Marie-Tooth disease, type 2. Last evaluated: 2018-01-12. Review status: criteria provided, single submitter. Criteria: ICSL Variant Classification Criteria 13 December 2019. Collection method: clinical testing. Allele origin: germline.
Comment: This variant was observed in the ICSL laboratory as part of a predisposition screen in an ostensibly healthy population. It had not been previously curated by ICSL or reported in the Human Gene Mutation Database (HGMD: prior to June 1st, 2018), and was therefore a candidate for classification through an automated scoring system. Utilizing variant allele frequency, disease prevalence and penetrance estimates, and inheritance mode, an automated score was calculated to assess if this variant is too frequent to cause the disease. Based on the score and internal cut-off values, a variant classified as likely benign is not then subjected to further curation. The score for this variant resulted in a classification of likely benign for this disease.

Illumina Laboratory Services, Illumina
Classification: Likely benign for Neuropathy, hereditary motor and sensory, type 6A. Last evaluated: 2018-01-12. Review status: criteria provided, single submitter. Criteria: ICSL Variant Classification Criteria 13 December 2019. Collection method: clinical testing. Allele origin: germline.
Comment: the same text as in the submission from Illumina Laboratory Services, Illumina above.